The following is an entry in ClinVar:

ClinVar aggregate classification (germline): Likely benign (1 of 4 stars; one submission).

Submission:

CeGaT Center for Human Genetics Tuebingen
Classification: Likely benign. Last evaluated: 2023-01-01. Review status: criteria provided, single submitter. Criteria: CeGaT Center For Human Genetics Tuebingen Variant Classification Criteria Version 2. Collection method: clinical testing. Allele origin: germline. Affected: yes. Observed: 1 variant allele.
Comment: TSEN15: PM2:Supporting, BP4, BP7

NM_052965.4(TSEN15):c.285T>G (p.Thr95=)

Gene: TSEN15 (tRNA splicing endonuclease subunit 15; plus strand). Cytogenetic location: 1q25.3.
Variant type: single nucleotide variant.
Coding change: c.285T>G on transcript NM_052965.4 (MANE Select); coding-DNA position 285, T replaced by G.
Protein change: p.Thr95=; no amino-acid change (threonine 95 retained).
Molecular consequence: synonymous variant. On other transcripts: non-coding transcript variant (2).
Genome position (GRCh38, 1-based): chr1:184,054,795, T>G. VCF-style: chr1-184054795-T-G. GRCh37 (hg19) VCF-style: chr1-184023929-T-G.
Other names: c.285T>G, p.Thr95= (NM_001127394.4, NM_001300764.2, NM_001300766.2 and 1 more transcripts).
Identifiers: ClinVar variation 2639629 (VCV002639629.24), dbSNP rs2526465115, ClinGen allele CA422296403.
Genomic context (GRCh38, chr1:184,054,795, plus strand): 5'-CTGGCATGAAGTAAACTGTGTAGGATTACCAGAACTCCAGCTCATCTGCCTTGTTGGTAC[T>G]GAGATAGAAGGGGAGGGGTTACAGACTGTGGTGCCTACCCCCATCACTGCTTCCCTCAGC-3'
Protein context (NP_443197.1, residues 85-105): PELQLICLVG[Thr95=]EIEGEGLQTV